The following is an entry in ClinVar:

NM_001783.4(CD79A):c.498G>C (p.Arg166Ser)

Genes: CD79A (CD79a molecule; plus strand), RPS19-CD79A (RPS19-CD79A readthrough; plus strand). Cytogenetic location: 19q13.2.
Variant type: single nucleotide variant.
Coding change: c.498G>C on transcript NM_001783.4 (MANE Select); coding-DNA position 498, G replaced by C.
Protein change: p.Arg166Ser; replaces arginine 166 with serine.
Molecular consequence: missense variant.
Genome position (GRCh38, 1-based): chr19:41,879,653, G>C. VCF-style: chr19-41879653-G-C. GRCh37 (hg19) VCF-style: chr19-42383723-G-C.
Other names: c.384G>C, p.Arg128Ser (NM_021601.4); short protein forms R128S, R166S.
Identifiers: ClinVar variation 1474994 (VCV001474994.8), dbSNP rs2123305225, ClinGen allele CA406036892.

ClinVar aggregate classification (germline): Uncertain significance (1 of 4 stars; one submission).

Conditions:
Agammaglobulinemia 3, autosomal recessive (AGM3). Also called: AGAMMAGLOBULINEMIA 3; AGAMMAGLOBULINEMIA, AUTOSOMAL RECESSIVE, DUE TO CD79A DEFECT. Identifiers: MedGen C3150751, MONDO:0013288, OMIM 613501.

Allele frequency attached by ClinVar (database versions not stated): gnomAD exomes below 0.00001.

Submission:

Labcorp Genetics (formerly Invitae), Labcorp
Classification: Uncertain significance for Agammaglobulinemia 3, autosomal recessive. Last evaluated: 2021-03-03. Review status: criteria provided, single submitter. Criteria: Invitae Variant Classification Sherloc (09022015). Collection method: clinical testing. Allele origin: germline.
Comment: This sequence change replaces arginine with serine at codon 166 of the CD79A protein (p.Arg166Ser). The arginine residue is moderately conserved and there is a moderate physicochemical difference between arginine and serine. This variant also falls at the last nucleotide of exon 3, which is part of the consensus splice site for this exon. This variant is not present in population databases (ExAC no frequency). This variant has not been reported in the literature in individuals with CD79A-related conditions. Algorithms developed to predict the effect of missense changes on protein structure and function are either unavailable or do not agree on the potential impact of this missense change (SIFT: "Deleterious"; PolyPhen-2: "Possibly Damaging"; Align-GVGD: "Class C0"). Nucleotide substitutions within the consensus splice site are a relatively common cause of aberrant splicing (PMID: 17576681, 9536098). Algorithms developed to predict the effect of sequence changes on RNA splicing suggest that this variant may disrupt the consensus splice site, but this prediction has not been confirmed by published transcriptional studies. In summary, the available evidence is currently insufficient to determine the role of this variant in disease. Therefore, it has been classified as a Variant of Uncertain Significance.

Literature cited by the submitters: PubMed 17576681; PubMed 9536098.